The following is an entry in ClinVar:

ClinVar aggregate classification (germline): Uncertain significance. Review status: criteria provided, multiple submitters, no conflicts (2 of 4 stars). 2 submissions from 2 submitters: Uncertain significance (2). Last evaluated 2023-02-23.

Conditions:
Inborn genetic diseases. Identifiers: MedGen C0950123, MeSH D030342.

Allele frequency attached by ClinVar (database versions not stated): gnomAD 0.00001; gnomAD exomes 0.00001; TOPMed 0.00001.
gnomAD v4.1: 4 of 1,541,678 alleles (0.00026%); highest among the groups gnomAD compares: Admixed American, 0.002%; no homozygotes.

Submissions (2):

Ambry Genetics
Classification: Uncertain significance for Inborn genetic diseases. Last evaluated: 2023-02-23. Review status: criteria provided, single submitter. Criteria: Ambry Variant Classification Scheme 2023. Collection method: clinical testing. Allele origin: germline.

Labcorp Genetics (formerly Invitae), Labcorp
Classification: Uncertain significance. Last evaluated: 2022-12-14. Review status: criteria provided, single submitter. Criteria: Invitae Variant Classification Sherloc (09022015). Collection method: clinical testing. Allele origin: germline.
Comment: In summary, the available evidence is currently insufficient to determine the role of this variant in disease. Therefore, it has been classified as a Variant of Uncertain Significance. Advanced modeling of protein sequence and biophysical properties (such as structural, functional, and spatial information, amino acid conservation, physicochemical variation, residue mobility, and thermodynamic stability) performed at Invitae indicates that this missense variant is expected to disrupt COMP protein function. This variant has not been reported in the literature in individuals affected with COMP-related conditions. This variant is present in population databases (no rsID available, gnomAD 0.004%). This sequence change replaces glycine, which is neutral and non-polar, with aspartic acid, which is acidic and polar, at codon 215 of the COMP protein (p.Gly215Asp).

NM_000095.3(COMP):c.644G>A (p.Gly215Asp)

Gene: COMP (cartilage oligomeric matrix protein; minus strand). Cytogenetic location: 19p13.11.
Variant type: single nucleotide variant.
Coding change: c.644G>A on transcript NM_000095.3 (MANE Select); coding-DNA position 644, G replaced by A.
Protein change: p.Gly215Asp; replaces glycine 215 with aspartic acid.
Molecular consequence: missense variant.
Genome position (GRCh38, 1-based): chr19:18,788,710, C>T on the plus strand (G>A on the coding strand, the complement: COMP is on the minus strand). VCF-style: chr19-18788710-C-T. GRCh37 (hg19) VCF-style: chr19-18899519-C-T.
Other names: short protein forms G215D.
Identifiers: ClinVar variation 2488696 (VCV002488696.5), dbSNP rs1049944784, ClinGen allele CA306258111.